The following is an entry in ClinVar:

ClinVar aggregate classification (germline): Pathogenic/Likely pathogenic. Review status: criteria provided, multiple submitters, no conflicts (2 of 4 stars). 6 submissions from 6 submitters: Pathogenic (3); Likely pathogenic (3). Last evaluated 2025-10-07.

Conditions:
Dilated cardiomyopathy 1G (CMD1G). Identifiers: Orphanet 154, MedGen C1858763, MONDO:0011400, OMIM 604145.
Hypertrophic cardiomyopathy 9. Also called: Familial hypertrophic cardiomyopathy 9. Identifiers: MedGen C1861065, MONDO:0013412, OMIM 613765.
Myopathy, myofibrillar, 9, with early respiratory failure (MFM9). Also called: Hereditary myopathy with early respiratory failure; EDSTROM MYOPATHY; MYOPATHY, PROXIMAL, WITH EARLY RESPIRATORY MUSCLE INVOLVEMENT; Myopathy, distal, with early respiratory failure, autosomal dominant. Identifiers: Orphanet 178464, Orphanet 34521, MedGen C1863599, MONDO:0011362, OMIM 603689.
Tibial muscular dystrophy (TMD). Also called: UDD MYOPATHY; Udd Distal Myopathy – Tibial Muscular Dystrophy; Tibial muscular dystrophy, tardive. Identifiers: Orphanet 609, MedGen C1838244, MONDO:0010870, OMIM 600334.
Early-onset myopathy with fatal cardiomyopathy (CMYO5). Also called: Salih Myopathy; CONGENITAL MYOPATHY 5 WITH CARDIOMYOPATHY. Identifiers: Orphanet 289377, MedGen C2673677, MONDO:0012714, OMIM 611705. Disease mechanism: loss of function.
Autosomal recessive limb-girdle muscular dystrophy type 2J (LGMDR10). Also called: Limb-girdle muscular dystrophy, type 2J; MUSCULAR DYSTROPHY, LIMB-GIRDLE, AUTOSOMAL RECESSIVE 10. Identifiers: Orphanet 140922, MedGen C1837342, MONDO:0012127, OMIM 608807.
Cardiovascular phenotype. Identifiers: MedGen CN230736.

Submissions (6):

Labcorp Genetics (formerly Invitae), Labcorp
Classification: Pathogenic for Dilated cardiomyopathy 1G; Autosomal recessive limb-girdle muscular dystrophy type 2J. Last evaluated: 2025-10-07. Review status: criteria provided, single submitter. Criteria: Invitae Variant Classification Sherloc (09022015). Collection method: clinical testing. Allele origin: germline.
Comment: This sequence change creates a premature translational stop signal (p.Lys25221Asnfs*4) in the TTN gene. While this is not anticipated to result in nonsense mediated decay, it is expected to create a truncated TTN protein. This variant is present in population databases (no rsID available, gnomAD 0.003%). This premature translational stop signal has been observed in individuals with clinical features of TTN-related conditions (internal data). ClinVar contains an entry for this variant (Variation ID: 429708). This variant is located in the A band of TTN (PMID: 25589632). Truncating variants in this region are significantly overrepresented in patients affected with dilated cardiomyopathy (PMID: 25589632). Truncating variants in this region have also been reported in individuals affected with autosomal recessive centronuclear myopathy (PMID: 23975875). For these reasons, this variant has been classified as Pathogenic.

Ambry Genetics
Classification: Pathogenic for Cardiovascular phenotype. Last evaluated: 2024-07-03. Review status: criteria provided, single submitter. Criteria: Ambry Variant Classification Scheme 2023. Collection method: clinical testing. Allele origin: germline.
Comment: The c.48468delA pathogenic mutation, located in coding exon 153 of the TTN gene, results from a deletion of one nucleotide at nucleotide position 48468, causing a translational frameshift with a predicted alternate stop codon (p.K16156Nfs*4). This exon is located in the A-band region of the N2-B isoform of the titin protein and is constitutively expressed in TTN transcripts (percent spliced in or PSI 100%). This variant has been detected in individuals with features consistent with dilated cardiomyopathy (external communication; Ambry internal data). This variant is considered to be rare based on population cohorts in the Genome Aggregation Database (gnomAD). This alteration is expected to result in loss of function by premature protein truncation or nonsense-mediated mRNA decay. While truncating variants in TTN are present in 1-3% of the general population, truncating variants in the A-band are the most common cause of dilated cardiomyopathy (DCM) (Herman DS et al. N. Engl. J. Med., 2012 Feb;366:619-28; Roberts AM et al. Sci Transl Med, 2015 Jan;7:270ra6). TTN truncating variants encoded in constitutive exons (PSI >90%) have been found to be significantly associated with DCM regardless of their position in titin (Schafer S et al. Nat. Genet., 2017 01;49:46-53). Based on the supporting evidence, this variant is interpreted as a disease-causing mutation.

GeneDx
Classification: Pathogenic. Last evaluated: 2024-05-02. Review status: criteria provided, single submitter. Criteria: GeneDx Variant Classification Process June 2021. Collection method: clinical testing. Allele origin: germline. Affected: yes.
Comment: Frameshift variant predicted to result in protein truncation or nonsense mediated decay in a gene for which loss of function is a known mechanism of disease; Located in the A-band region of TTN in which the majority of loss of function variants have been associated with autosomal dominant titinopathies (PMID: 22335739); Not observed at significant frequency in large population cohorts (gnomAD); Has not been previously published as pathogenic or benign to our knowledge; This variant is associated with the following publications: (PMID: 22335739)

Revvity Omics, Revvity
Classification: Likely pathogenic. Last evaluated: 2024-03-28. Review status: criteria provided, single submitter. Criteria: ACMG Guidelines, 2015. Collection method: clinical testing. Allele origin: germline.

Fulgent Genetics
Classification: Likely pathogenic for Tibial muscular dystrophy; Myopathy, myofibrillar, 9, with early respiratory failure; Dilated cardiomyopathy 1G; Autosomal recessive limb-girdle muscular dystrophy type 2J; Early-onset myopathy with fatal cardiomyopathy; Hypertrophic cardiomyopathy 9. Last evaluated: 2021-11-23. Review status: criteria provided, single submitter. Criteria: ACMG Guidelines, 2015. Collection method: clinical testing. Allele origin: unknown.

Stanford Center for Inherited Cardiovascular Disease, Stanford University
Classification: Likely pathogenic. Last evaluated: 2016-09-22. Review status: criteria provided, single submitter. Criteria: ACMG Guidelines, 2015. Collection method: provider interpretation. Allele origin: germline.

Literature cited by the submitters: PubMed 25589632 (cited by Labcorp Genetics (formerly Invitae), Labcorp); PubMed 23975875 (cited by Labcorp Genetics (formerly Invitae), Labcorp).

NM_001267550.2(TTN):c.75663del (p.Lys25221fs)

Genes: TTN (titin; minus strand), TTN-AS1 (TTN antisense RNA 1; plus strand). Cytogenetic location: 2q31.2.
Variant type: Deletion.
Coding change: c.75663del on transcript NM_001267550.2 (MANE Select); coding-DNA position 75663, one base deleted (A; older notation c.75663delA).
Protein change: p.Lys25221fs; shifts the reading frame from lysine 25221.
Molecular consequence: frameshift variant.
Genome position (GRCh38, 1-based): chr2:178,570,469, T deleted on the plus strand (A on the coding strand, the reverse complement: TTN is on the minus strand); the first of 5 consecutive T bases (chr2:178,570,469-178,570,473); deleting any one gives the same sequence. VCF-style (leftmost placement, unchanged base first): chr2-178570468-AT-A. GRCh37 (hg19) VCF-style: chr2-179435195-AT-A.
Other names: c.70740del, p.Lys23580fs (NM_001256850.1); c.48468del, p.Lys16156fs (NM_003319.4); c.67959del, p.Lys22653fs (NM_133378.4); c.48843del, p.Lys16281fs (NM_133432.3); c.49044del, p.Lys16348fs (NM_133437.4); c.75663delA (NM_001267550.2); c.75663del (NM_001267550.1); c.70740delA (NM_001256850.1); and 1 more; short protein forms K16281fs, K16348fs, K22653fs, K25221fs, K16156fs, K23580fs.
Identifiers: ClinVar variation 429708 (VCV000429708.18), dbSNP rs1131691542, ClinGen allele CA538435329.